The following is an entry in ClinVar:

ClinVar aggregate classification (germline): Conflicting classifications of pathogenicity. Review status: criteria provided, conflicting classifications (1 of 4 stars). 14 submissions from 14 submitters: Uncertain significance (7); Likely benign (5). 2 of the submissions do not count toward it. Last evaluated 2026-09-21.

Conditions:
TTN-related disorder. Also called: TTN-related disorders; TTN-related condition; TTN-related disease.
Cardiovascular phenotype. Identifiers: MedGen CN230736.
Autosomal recessive limb-girdle muscular dystrophy type 2J (LGMDR10). Also called: MUSCULAR DYSTROPHY, LIMB-GIRDLE, AUTOSOMAL RECESSIVE 10; Limb-girdle muscular dystrophy, type 2J. Identifiers: Orphanet 140922, MedGen C1837342, MONDO:0012127, OMIM 608807.
Dilated cardiomyopathy 1G (CMD1G). Identifiers: Orphanet 154, MedGen C1858763, MONDO:0011400, OMIM 604145.
Long QT syndrome (LQTS). Identifiers: MedGen C0023976, MeSH D008133, MONDO:0002442. Disease mechanism: loss of function. Inheritance: Various modes of inheritance.
Arrhythmogenic right ventricular dysplasia 9 (ARVD9). Also called: Arrhythmogenic Right Ventricular Dysplasia/Cardiomyopathy 9; ARRHYTHMOGENIC RIGHT VENTRICULAR DYSPLASIA, FAMILIAL, 9. Identifiers: MedGen C1836906, MONDO:0012180, OMIM 609040.

Allele frequency attached by ClinVar (database versions not stated): gnomAD exomes 0.00021 and 0.00024; TOPMed 0.00032; ExAC 0.00021; ESP Exome Variant Server 0.00017; gnomAD 0.00024.
gnomAD v4.1: 346 of 1,613,342 alleles (0.021%); highest among the groups gnomAD compares: Admixed American, 0.04%; no homozygotes.

Submissions (14):

Molecular Diagnostic Laboratory for Inherited Cardiovascular Disease, Montreal Heart Institute
Classification: Likely benign. Last evaluated: 2026-09-21. Review status: criteria provided, single submitter. Criteria: ACMG Guidelines, 2015. Collection method: clinical testing. Allele origin: germline. Affected: no.
Comment: BP1

CeGaT Center for Human Genetics Tuebingen
Classification: Uncertain significance. Last evaluated: 2026-08-01. Review status: criteria provided, single submitter. Criteria: CeGaT Center For Human Genetics Tuebingen Variant Classification Criteria Version 2. Collection method: clinical testing. Allele origin: germline. Affected: yes. Observed: 3 variant alleles.
Comment: TTN: PM2

PreventionGenetics, part of Exact Sciences
Classification: Likely benign for TTN-related condition. Last evaluated: 2026-02-20. Review status: criteria provided, single submitter. Criteria: ACMG Guidelines, 2015. Collection method: clinical testing. Allele origin: germline.
Comment: This variant is classified as likely benign based on ACMG/AMP sequence variant interpretation guidelines (Richards et al. 2015 PMID: 25741868, with internal and published modifications).

Athena Diagnostics
Classification: Uncertain significance. Last evaluated: 2025-07-16. Review status: criteria provided, single submitter. Criteria: Athena Diagnostics Criteria. Collection method: clinical testing. Allele origin: unknown.
Comment: Available data are insufficient to determine the clinical significance of the variant at this time. The frequency of this variant in the general population is higher than would generally be expected for pathogenic variants in this gene. Polyphen and MutationTaster yielded discordant predictions regarding whether this amino acid change is damaging to the protein.

Revvity Omics, Revvity
Classification: Uncertain significance. Last evaluated: 2024-06-25. Review status: criteria provided, single submitter. Criteria: ACMG Guidelines, 2015. Collection method: clinical testing. Allele origin: germline.

Women's Health and Genetics/Laboratory Corporation of America, LabCorp
Classification: Likely benign. Last evaluated: 2022-01-31. Review status: criteria provided, single submitter. Criteria: LabCorp Variant Classification Summary - May 2015. Collection method: clinical testing. Allele origin: germline.
Comment: Variant summary: TTN c.51409C>T (p.Arg17137Cys) results in a non-conservative amino acid change located in the A-band region of the encoded protein sequence. Four of five in-silico tools predict a damaging effect of the variant on protein function. The variant allele was found at a frequency of 0.00024 in 248286 control chromosomes, predominantly at a frequency of 0.00044 within the Latino subpopulation in the gnomAD database. The observed variant frequency within Latino control individuals in the gnomAD database is slightly higher than the estimated maximal expected allele frequency for a pathogenic variant in TTN causing Dilated Cardiomyopathy phenotype (0.00039), strongly suggesting that the variant is a benign polymorphism found primarily in populations of Latino origin. c.51409C>T has been reported in the literature in individuals affected with different Cardiomyopathies (Begay_2015, Klauke_2017). In a family reported by Klauke_2017, two sisters with arrhythmogenic right ventricular cardiomyopathy were genotyped; one sister carried this variant and the other sister carried the reference allele, showing the variant did not segregate with the disease phenotype. These siblings also carried other pathogenic variants (PLN c.40_42delAGA, p.Arg14del) which segregated with disease, providing supporting evidence for a benign role of TTN c.51409C>T. An undisclosed pathogenic co-occurence was also reported by ClinVar submitter "Laboratory for Molecular Medicine, Partners HealthCare Personalized Medicine" (Accession: SCV000064107.7). To our knowledge, no experimental evidence demonstrating an impact on protein function has been reported. Seven ClinVar submitters have assessed the variant since 2014: five classified the variant as of uncertain significance and two as likely benign. Based on the evidence outlined above, the variant was classified as likely benign.

Laboratory for Molecular Medicine, Mass General Brigham Personalized Medicine
Classification: Uncertain significance. Last evaluated: 2019-12-20. Review status: criteria provided, single submitter. Criteria: LMM Criteria. Collection method: clinical testing. Allele origin: germline. Observed: 3 variant alleles.
Comment: This variant has also been identified in 0.04% (15/35302) of Latino chromosomes by the gnomAD. Computational prediction tools and conservation analysis do not provide strong support for or against an impact to the protein. In summary, the clinical significance of the p.Arg17137Cys variant is uncertain.

GeneDx
Classification: Likely benign. Last evaluated: 2019-11-05. Review status: criteria provided, single submitter. Criteria: GeneDx Variant Classification (06012015). Collection method: clinical testing. Allele origin: germline. Affected: yes.
Comment: This variant is associated with the following publications: (PMID: 30924900, 26567375)

Ambry Genetics
Classification: Likely benign for Cardiovascular phenotype. Last evaluated: 2019-09-25. Review status: criteria provided, single submitter. Criteria: Ambry Variant Classification Scheme 2023. Collection method: clinical testing. Allele origin: germline.

Center for Advanced Laboratory Medicine, UC San Diego Health, University of California San Diego
Classification: Uncertain significance for Long QT Syndrome. Last evaluated: 2018-06-05. Review status: criteria provided, single submitter. Criteria: ACMG Guidelines, 2015. Collection method: clinical testing. Allele origin: germline. Affected: yes. Observed: 1 variant allele.

Eurofins Ntd Llc (ga)
Classification: Uncertain significance. Last evaluated: 2018-01-24. Review status: criteria provided, single submitter. Criteria: EGL Classification Definitions 2015. Collection method: clinical testing. Allele origin: germline. Observed: 3 variant alleles, 2 heterozygotes.

Labcorp Genetics (formerly Invitae), Labcorp
Classification: Uncertain significance for Dilated cardiomyopathy 1G; Autosomal recessive limb-girdle muscular dystrophy type 2J. Last evaluated: 2017-12-13. Review status: criteria provided, single submitter. Criteria: Invitae Variant Classification Sherloc (09022015). Collection method: clinical testing. Allele origin: germline.

Institut für Laboratoriums- und Transfusionsmedizin, Herz- und Diabeteszentrum Nordrhein-Westfalen
Classification: Likely benign for Arrhythmogenic right ventricular dysplasia 9. Last evaluated: 2016-05-01. Review status: no assertion criteria provided. Collection method: clinical testing. Allele origin: germline. Affected: yes. Observed: 1 variant allele. Not counted in ClinVar's aggregate classification.

Clinical Genetics DNA and cytogenetics Diagnostics Lab, Erasmus MC, Erasmus Medical Center
Classification: Likely benign. Review status: no assertion criteria provided. Collection method: clinical testing. Allele origin: germline. Affected: yes. Study: VKGL Data-share Consensus. Not counted in ClinVar's aggregate classification.

Literature cited by the submitters: PubMed 29253866 (cited by Athena Diagnostics and Women's Health and Genetics/Laboratory Corporation of America, LabCorp); PubMed 26567375 (cited by Athena Diagnostics and Women's Health and Genetics/Laboratory Corporation of America, LabCorp).

NM_001267550.2(TTN):c.59113C>T (p.Arg19705Cys)

Genes: TTN (titin; minus strand), TTN-AS1 (TTN antisense RNA 1; plus strand). Cytogenetic location: 2q31.2.
Variant type: single nucleotide variant.
Coding change: c.59113C>T on transcript NM_001267550.2 (MANE Select); coding-DNA position 59113, C replaced by T.
Protein change: p.Arg19705Cys; replaces arginine 19705 with cysteine.
Molecular consequence: missense variant.
Genome position (GRCh38, 1-based): chr2:178,593,006, G>A on the plus strand (C>T on the coding strand, the complement: TTN is on the minus strand). VCF-style: chr2-178593006-G-A. GRCh37 (hg19) VCF-style: chr2-179457733-G-A.
Other names: p.R18064C:CGT>TGT; c.54190C>T, p.Arg18064Cys (NM_001256850.1); c.51409C>T, p.Arg17137Cys (NM_133378.4); c.31918C>T, p.Arg10640Cys (NM_003319.4); c.32293C>T, p.Arg10765Cys (NM_133432.3); c.32494C>T, p.Arg10832Cys (NM_133437.4); short protein forms R19705C, R17137C, R18064C, R10640C, R10765C, R10832C.
Identifiers: ClinVar variation 47146 (VCV000047146.40), dbSNP rs72646839, ClinGen allele CA140129.